The following is an entry in ClinVar:

ClinVar aggregate classification (germline): Likely pathogenic (1 of 4 stars; one submission).

Conditions:
Sitosterolemia 1. Identifiers: MedGen C2749759, MONDO:0020747, OMIM 210250.

Submission:

3billion
Classification: Likely pathogenic for Sitosterolemia 1. Last evaluated: 2025-12-27. Review status: criteria provided, single submitter. Criteria: ACMG Guidelines, 2015. Collection method: clinical testing. Allele origin: germline. Affected: yes.
Comment: The variant is not observed in the gnomAD v4.1.0 dataset. Predicted Consequence/Location: Canonical splice site: predicted to alter splicing and result in a loss or disruption of normal protein function. Multiple pathogenic loss-of-function variants are reported downstream of the variant. In silico tools predict the variant to alter splicing and produce an abnormal transcript [SpliceAI: 0.98 (spliceogenicity >=0.2, non-spliceogenicity <0.1)]. Therefore, this variant is classified as Likely pathogenic according to the recommendation of ACMG/AMP guideline.

NM_022437.3(ABCG8):c.323-1G>A

Gene: ABCG8 (ATP binding cassette subfamily G member 8; plus strand). Cytogenetic location: 2p21.
Variant type: single nucleotide variant.
Coding change: c.323-1G>A on transcript NM_022437.3 (MANE Select); the canonical splice acceptor site of the intron before coding-DNA position 323, G replaced by A.
Molecular consequence: splice acceptor variant.
Genome position (GRCh38, 1-based): chr2:43,851,583, G>A. VCF-style: chr2-43851583-G-A. GRCh37 (hg19) VCF-style: chr2-44078722-G-A.
Other names: c.323-1G>A (NM_001357321.2).
Identifiers: ClinVar variation 4854749 (VCV004854749.1).